The following is an entry in ClinVar:

ClinVar aggregate classification (germline): Pathogenic (1 of 4 stars; one submission).

Submission:

Labcorp Genetics (formerly Invitae), Labcorp
Classification: Pathogenic. Last evaluated: 2021-04-11. Review status: criteria provided, single submitter. Criteria: Invitae Variant Classification Sherloc (09022015). Collection method: clinical testing. Allele origin: germline.
Comment: This variant is not present in population databases (ExAC no frequency). This variant has not been reported in the literature in individuals with COL4A4-related conditions. This variant disrupts the C-terminus of the COL4A4 protein. Other variant(s) that disrupt this region (p.Arg1682Glyfs*6) have been determined to be pathogenic (Invitae). This suggests that variants that disrupt this region of the protein are likely to be causative of disease. For these reasons, this variant has been classified as Pathogenic. This sequence change creates a premature translational stop signal (p.Gln1678Profs*11) in the COL4A4 gene. While this is not anticipated to result in nonsense mediated decay, it is expected to disrupt the last 13 amino acid(s) of the COL4A4 protein.

NM_000092.5(COL4A4):c.5031_5032dup (p.Gln1678fs)

Gene: COL4A4 (collagen type IV alpha 4 chain; minus strand). Cytogenetic location: 2q36.3.
Variant type: Duplication.
Coding change: c.5031_5032dup on transcript NM_000092.5 (MANE Select); coding-DNA positions 5031 to 5032, 2 bases duplicated (CC; older notation c.5031_5032dupCC).
Protein change: p.Gln1678fs; shifts the reading frame from glutamine 1678.
Molecular consequence: frameshift variant.
Genome position (GRCh38, 1-based): chr2:227,007,366-227,007,367, GG duplicated on the plus strand (CC on the coding strand, the reverse complement: COL4A4 is on the minus strand). VCF-style (leftmost placement, unchanged base first): chr2-227007365-T-TGG. GRCh37 (hg19) VCF-style: chr2-227872081-T-TGG.
Other names: short protein forms Q1678fs.
Identifiers: ClinVar variation 1455312 (VCV001455312.8), dbSNP rs2149713200, ClinGen allele CA2573135344.